The following is an entry in ClinVar:

NM_000321.3(RB1):c.2489+1G>A

Gene: RB1 (RB transcriptional corepressor 1; plus strand). Cytogenetic location: 13q14.2.
Variant type: single nucleotide variant.
Coding change: c.2489+1G>A on transcript NM_000321.3 (MANE Select); the canonical splice donor site of the intron after coding-DNA position 2489, G replaced by A.
Molecular consequence: splice donor variant.
Genome position (GRCh38, 1-based): chr13:48,465,369, G>A. VCF-style: chr13-48465369-G-A. GRCh37 (hg19) VCF-style: chr13-49039505-G-A.
Other names: c.2489+1G>A (NM_001407165.1).
Identifiers: ClinVar variation 428742 (VCV000428742.10), dbSNP rs764754259, ClinGen allele CA035748.

ClinVar aggregate classification (germline): Pathogenic. Review status: criteria provided, multiple submitters, no conflicts (2 of 4 stars). 3 submissions from 3 submitters: Pathogenic (3). Last evaluated 2024-04-25.

Conditions:
Hereditary cancer-predisposing syndrome. Also called: Hereditary Cancer Syndrome; Neoplastic Syndromes, Hereditary; Hereditary neoplastic syndrome; Tumor predisposition. Identifiers: Orphanet 140162, MedGen C0027672, MeSH D009386, MONDO:0015356.
Retinoblastoma (RB1). Also called: RETINOBLASTOMA, SOMATIC. Identifiers: Orphanet 790, MedGen C0035335, MeSH D012175, MONDO:0008380, OMIM 180200, HP:0009919. Disease mechanism: loss of function. Inheritance: Both sporadic and heritable forms are tested..

Allele frequency attached by ClinVar (database versions not stated): ExAC 0.00001.

Submissions (3):

Labcorp Genetics (formerly Invitae), Labcorp
Classification: Pathogenic for Retinoblastoma. Last evaluated: 2024-04-25. Review status: criteria provided, single submitter. Criteria: Invitae Variant Classification Sherloc (09022015). Collection method: clinical testing. Allele origin: germline.
Comment: This sequence change affects a donor splice site in intron 23 of the RB1 gene. It is expected to disrupt RNA splicing. Variants that disrupt the donor or acceptor splice site typically lead to a loss of protein function (PMID: 16199547), and loss-of-function variants in RB1 are known to be pathogenic (PMID: 17096365). This variant is not present in population databases (gnomAD no frequency). Disruption of this splice site has been observed in individual(s) with retinoblastoma (PMID: 23301675, 34190019). This variant is also known as IVS23+1G>A. ClinVar contains an entry for this variant (Variation ID: 428742). Algorithms developed to predict the effect of sequence changes on RNA splicing suggest that this variant may disrupt the consensus splice site. For these reasons, this variant has been classified as Pathogenic.

GeneDx
Classification: Pathogenic. Last evaluated: 2021-03-26. Review status: criteria provided, single submitter. Criteria: GeneDx Variant Classification Process June 2021. Collection method: clinical testing. Allele origin: germline. Affected: yes.
Comment: Canonical splice site variant in a gene for which loss-of-function is a known mechanism of disease; This variant is associated with the following publications: (PMID: 23301675, 28028119, 23532519, 30031154)

Ambry Genetics
Classification: Pathogenic for Hereditary cancer-predisposing syndrome. Last evaluated: 2019-10-22. Review status: criteria provided, single submitter. Criteria: Ambry Variant Classification Scheme 2023. Collection method: clinical testing. Allele origin: germline.
Comment: The c.2489+1G>A intronic pathogenic mutation results from a G to A substitution one nucleotide after coding exon 23 of the RB1 gene. RT-PCR analysis demonstrated abnormal splicing (Chaussade A et al. Eur J Med Genet, 2019 Mar;62:217-223). In addition to the clinical data presented in the literature, alterations that disrupt the canonical splice site are expected to cause aberrant splicing, resulting in an abnormal protein or a transcript that is subject to nonsense-mediated mRNA decay. As such, this alteration is classified as a disease-causing mutation.

Literature cited by the submitters: PubMed 16199547 (cited by Labcorp Genetics (formerly Invitae), Labcorp); PubMed 17096365 (cited by Labcorp Genetics (formerly Invitae), Labcorp); PubMed 23301675 (cited by Labcorp Genetics (formerly Invitae), Labcorp); PubMed 34190019 (cited by Labcorp Genetics (formerly Invitae), Labcorp); PubMed 30031154 (cited by Ambry Genetics).